The following is an entry in ClinVar:

ClinVar aggregate classification (germline): Benign (1 of 4 stars; one submission).

Allele frequency attached by ClinVar (database versions not stated): gnomAD 0.03773 and 0.03946; 1000 Genomes Project 30x 0.03779; TOPMed 0.03852; 1000 Genomes Project 0.04054.
gnomAD v4.1: 5,732 of 152,186 alleles (3.8%); highest among the groups gnomAD compares: African/African-American, 8.4%; 174 homozygotes.

Submission:

GeneDx
Classification: Benign. Last evaluated: 2018-06-16. Review status: criteria provided, single submitter. Criteria: GeneDx Variant Classification (06012015). Collection method: clinical testing. Allele origin: germline. Affected: yes.
Comment: This variant is considered likely benign or benign based on one or more of the following criteria: it is a conservative change, it occurs at a poorly conserved position in the protein, it is predicted to be benign by multiple in silico algorithms, and/or has population frequency not consistent with disease.

NM_025114.4(CEP290):c.3573+187C>A

Gene: CEP290 (centrosomal protein 290; minus strand). Cytogenetic location: 12q21.32.
Variant type: single nucleotide variant.
Coding change: c.3573+187C>A on transcript NM_025114.4 (MANE Select); 187 bases into the intron after coding-DNA position 3573, C replaced by A.
Molecular consequence: intron variant.
Genome position (GRCh38, 1-based): chr12:88,090,541, G>T on the plus strand (C>A on the coding strand, the complement: CEP290 is on the minus strand). VCF-style: chr12-88090541-G-T. GRCh37 (hg19) VCF-style: chr12-88484318-G-T.
Identifiers: ClinVar variation 680196 (VCV000680196.1), dbSNP rs112112148, ClinGen allele CA241165665.